The following is an entry in ClinVar:

NM_020242.3(KIF15):c.2410C>T (p.Arg804Ter)

Gene: KIF15 (kinesin family member 15; plus strand). Cytogenetic location: 3p21.31.
Variant type: single nucleotide variant.
Coding change: c.2410C>T on transcript NM_020242.3 (MANE Select); coding-DNA position 2410, C replaced by T.
Protein change: p.Arg804Ter; replaces arginine 804 with a stop codon.
Molecular consequence: nonsense.
Genome position (GRCh38, 1-based): chr3:44,814,937, C>T. VCF-style: chr3-44814937-C-T. GRCh37 (hg19) VCF-style: chr3-44856429-C-T.
Other names: short protein forms R804*.
Identifiers: ClinVar variation 4849463 (VCV004849463.1).

ClinVar aggregate classification (germline): Likely pathogenic (1 of 4 stars; one submission).

Conditions:
Braddock-carey syndrome 2. Identifiers: MedGen C5774189, MONDO:0859570, OMIM 619981.

gnomAD v4.1: 18 of 1,607,444 alleles (0.0011%); highest among the groups gnomAD compares: African/African-American, 0.0054%; no homozygotes.

Submission:

First Genomix Gene Laboratory, Genetic Diagnostics Department
Classification: Likely pathogenic for Braddock-carey syndrome 2. Last evaluated: 2025-06-04. Review status: criteria provided, single submitter. Criteria: ACMG Guidelines, 2015. Collection method: clinical testing. Allele origin: germline. Inheritance: Autosomal recessive inheritance. Affected: no.